The following is an entry in ClinVar:

ClinVar aggregate classification (germline): Benign. Review status: criteria provided, multiple submitters, no conflicts (2 of 4 stars). 3 submissions from 2 submitters: Benign (3). Last evaluated 2018-01-13.

Conditions:
Autosomal recessive osteopetrosis 7. Identifiers: Orphanet 178389, MedGen C2676766, MONDO:0012859, OMIM 612301.
Paget disease of bone 2, early-onset (PDB2). Also called: Paget disease of bone 2. Identifiers: MedGen C4085251, MONDO:0011183, OMIM 602080.

Allele frequency attached by ClinVar (database versions not stated): gnomAD 0.12079 and 0.12123; TOPMed 0.12140; 1000 Genomes Project 0.12720; 1000 Genomes Project 30x 0.12883.

Submissions (3):

Illumina Laboratory Services, Illumina
Classification: Benign for Paget disease of bone 2, early-onset. Last evaluated: 2018-01-13. Review status: criteria provided, single submitter. Criteria: ICSL Variant Classification Criteria 13 December 2019. Collection method: clinical testing. Allele origin: germline.
Comment: This variant was observed in the ICSL laboratory as part of a predisposition screen in an ostensibly healthy population. It had not been previously curated by ICSL or reported in the Human Gene Mutation Database (HGMD: prior to June 1st, 2018), and was therefore a candidate for classification through an automated scoring system. Utilizing variant allele frequency, disease prevalence and penetrance estimates, and inheritance mode, an automated score was calculated to assess if this variant is too frequent to cause the disease. Based on the score and internal cut-off values, a variant classified as benign is not then subjected to further curation. The score for this variant resulted in a classification of benign for this disease.

Illumina Laboratory Services, Illumina
Classification: Benign for Autosomal recessive osteopetrosis 7. Last evaluated: 2018-01-13. Review status: criteria provided, single submitter. Criteria: ICSL Variant Classification Criteria 13 December 2019. Collection method: clinical testing. Allele origin: germline.
Comment: the same text as in the submission from Illumina Laboratory Services, Illumina above.

Breakthrough Genomics
Classification: Benign. Review status: criteria provided, single submitter. Criteria: ACMG Guidelines, 2015. Collection method: not provided. Allele origin: germline. Inheritance: Autosomal recessive inheritance. Affected: yes.

NM_003839.4(TNFRSF11A):c.*2490A>G

Gene: TNFRSF11A (TNF receptor superfamily member 11a; plus strand). Cytogenetic location: 18q21.33.
Variant type: single nucleotide variant.
Coding change: c.*2490A>G on transcript NM_003839.4 (MANE Select); 2490 bases downstream of the stop codon, A replaced by G.
Molecular consequence: 3 prime UTR variant.
Genome position (GRCh38, 1-based): chr18:62,387,524, A>G. VCF-style: chr18-62387524-A-G. GRCh37 (hg19) VCF-style: chr18-60054757-A-G.
Other names: c.*2765A>G (NM_001270949.2); c.*2490A>G (NM_001270950.2, NM_001270951.2, NM_001278268.2).
Identifiers: ClinVar variation 891413 (VCV000891413.5), dbSNP rs78459945, ClinGen allele CA14576145.